The following is an entry in ClinVar:

ClinVar aggregate classification (germline): Uncertain significance (1 of 4 stars; one submission).

Conditions:
Catecholaminergic polymorphic ventricular tachycardia (CVPT). Also called: Catecholamine-induced polymorphic ventricular tachycardia. Identifiers: Orphanet 3286, MedGen C5574922, MONDO:0017990.

gnomAD v4.1: 1 of 1,490,130 alleles (0.000067%); highest among the groups gnomAD compares: Non-Finnish European, 0.00009%; no homozygotes.

Submission:

All of Us Research Program, National Institutes of Health
Classification: Uncertain significance for Catecholaminergic polymorphic ventricular tachycardia. Last evaluated: 2024-05-30. Review status: criteria provided, single submitter. Criteria: ACMG Guidelines, 2015. Collection method: clinical testing. Allele origin: germline. Inheritance: Autosomal dominant inheritance. Observed: 1 variant allele, 1 heterozygote.
Comment: This variant causes a T to G nucleotide substitution at the +2 position of intron 55 of the RYR2 gene. Splice site prediction tools predict that this variant may have a significant impact on RNA splicing. Although this prediction has not been confirmed in published RNA studies, this variant is expected to result in an absent or disrupted protein product. This variant has not been reported in individuals affected with RYR2-related disorders in the literature. This variant has not been identified in the general population by the Genome Aggregation Database (gnomAD). The role of loss-of-function RYR2 truncation and splice variants in autosomal dominant cardiovascular disorders is not clearly established. The available evidence is insufficient to determine the role of this variant in disease conclusively. Therefore, this variant is classified as a Variant of Uncertain Significance.

This study involves interpretation of variants in research participants for the purpose of population health screening. Participant phenotype was not available at the time of variant classification. Additional details can be found in publication PMID: 35346344, PMCID: PMC8962531

NM_001035.3(RYR2):c.8298+2T>G

Gene: RYR2 (ryanodine receptor 2; plus strand). Cytogenetic location: 1q43.
Variant type: single nucleotide variant.
Coding change: c.8298+2T>G on transcript NM_001035.3 (MANE Select); the canonical splice donor site of the intron after coding-DNA position 8298, T replaced by G.
Molecular consequence: splice donor variant.
Genome position (GRCh38, 1-based): chr1:237,660,076, T>G. VCF-style: chr1-237660076-T-G. GRCh37 (hg19) VCF-style: chr1-237823376-T-G.
Identifiers: ClinVar variation 3385790 (VCV003385790.1).
Genomic context (GRCh38, chr1:237,660,076, plus strand): 5'-ATTCAGACTCTTCTAAGGTTCAGCCATTAATGAAGCCATATAAGCTATTGTCTGAAAAGG[T>G]AAGGATTTTTTGTTTGTTTTAGTTTGTAAAGTTTTTATTCTTTTGAAAAATGTGTTTTTT-3'